The following is an entry in ClinVar:

NM_172364.5(CACNA2D4):c.1450G>A (p.Asp484Asn)

Gene: CACNA2D4 (calcium voltage-gated channel auxiliary subunit alpha2delta 4; minus strand). Cytogenetic location: 12p13.33.
Variant type: single nucleotide variant.
Coding change: c.1450G>A on transcript NM_172364.5 (MANE Select); coding-DNA position 1450, G replaced by A.
Protein change: p.Asp484Asn; replaces aspartic acid 484 with asparagine.
Molecular consequence: missense variant.
Genome position (GRCh38, 1-based): chr12:1,882,902, C>T on the plus strand (G>A on the coding strand, the complement: CACNA2D4 is on the minus strand). VCF-style: chr12-1882902-C-T. GRCh37 (hg19) VCF-style: chr12-1992068-C-T.
Other names: c.1450G>A (NM_172364.4); short protein forms D484N.
Identifiers: ClinVar variation 1052058 (VCV001052058.13), dbSNP rs376591807, ClinGen allele CA6387127.

ClinVar aggregate classification (germline): Uncertain significance. Review status: criteria provided, multiple submitters, no conflicts (2 of 4 stars). 3 submissions from 3 submitters: Uncertain significance (3). Last evaluated 2024-11-22.

Conditions:
Inborn genetic diseases. Identifiers: MedGen C0950123, MeSH D030342.

Allele frequency attached by ClinVar (database versions not stated): ExAC 0.00003; gnomAD exomes 0.00003 and 0.00009; TOPMed 0.00008; gnomAD 0.00009; ESP Exome Variant Server 0.00023.
gnomAD v4.1: 147 of 1,613,680 alleles (0.0091%); highest among the groups gnomAD compares: Non-Finnish European, 0.012%; no homozygotes.

Submissions (3):

Labcorp Genetics (formerly Invitae), Labcorp
Classification: Uncertain significance. Last evaluated: 2024-11-22. Review status: criteria provided, single submitter. Criteria: Invitae Variant Classification Sherloc (09022015). Collection method: clinical testing. Allele origin: germline.
Comment: This sequence change replaces aspartic acid, which is acidic and polar, with asparagine, which is neutral and polar, at codon 484 of the CACNA2D4 protein (p.Asp484Asn). This variant is present in population databases (rs376591807, gnomAD 0.006%). This variant has not been reported in the literature in individuals affected with CACNA2D4-related conditions. ClinVar contains an entry for this variant (Variation ID: 1052058). An algorithm developed to predict the effect of missense changes on protein structure and function (PolyPhen-2) suggests that this variant is likely to be tolerated. In summary, the available evidence is currently insufficient to determine the role of this variant in disease. Therefore, it has been classified as a Variant of Uncertain Significance.

Blueprint Genetics
Classification: Uncertain significance. Last evaluated: 2024-07-09. Review status: criteria provided, single submitter. Criteria: ACMG Guidelines, 2015. Collection method: clinical testing. Allele origin: germline.

Ambry Genetics
Classification: Uncertain significance for Inborn genetic diseases. Last evaluated: 2022-04-01. Review status: criteria provided, single submitter. Criteria: Ambry Variant Classification Scheme 2023. Collection method: clinical testing. Allele origin: germline.